The following is an entry in ClinVar:

NM_000355.4(TCN2):c.580+1G>C

Gene: TCN2 (transcobalamin 2; plus strand). Cytogenetic location: 22q12.2.
Variant type: single nucleotide variant.
Coding change: c.580+1G>C on transcript NM_000355.4 (MANE Select); the canonical splice donor site of the intron after coding-DNA position 580, G replaced by C.
Molecular consequence: splice donor variant.
Genome position (GRCh38, 1-based): chr22:30,614,502, G>C. VCF-style: chr22-30614502-G-C. GRCh37 (hg19) VCF-style: chr22-31010489-G-C.
Other names: c.499+1G>C (NM_001184726.2).
Identifiers: ClinVar variation 2737034 (VCV002737034.3), dbSNP rs1166150272, ClinGen allele CA411211103.

ClinVar aggregate classification (germline): Likely pathogenic (1 of 4 stars; one submission).

Conditions:
Transcobalamin II deficiency (TCN2D). Also called: Transcolabamin II deficiency; TC II DEFICIENCY; TCN2 DEFICIENCY. Identifiers: Orphanet 859, MedGen C0342701, MONDO:0010149, OMIM 275350.

Allele frequency attached by ClinVar (database versions not stated): TOPMed 0.00001.
gnomAD v4.1: 3 of 1,614,024 alleles (0.00019%); highest among the groups gnomAD compares: African/African-American, 0.0027%; no homozygotes.

Submission:

Labcorp Genetics (formerly Invitae), Labcorp
Classification: Likely pathogenic for Transcobalamin II deficiency. Last evaluated: 2024-07-04. Review status: criteria provided, single submitter. Criteria: Invitae Variant Classification Sherloc (09022015). Collection method: clinical testing. Allele origin: germline.
Comment: This sequence change affects a donor splice site in intron 4 of the TCN2 gene. It is expected to disrupt RNA splicing. Variants that disrupt the donor or acceptor splice site typically lead to a loss of protein function (PMID: 16199547), and loss-of-function variants in TCN2 are known to be pathogenic (PMID: 7980584, 20352340). This variant is present in population databases (no rsID available, gnomAD 0.008%). Disruption of this splice site has been observed in individual(s) with transcobalamin deficiency (PMID: 20352340). Algorithms developed to predict the effect of sequence changes on RNA splicing suggest that this variant may disrupt the consensus splice site. In summary, the currently available evidence indicates that the variant is pathogenic, but additional data are needed to prove that conclusively. Therefore, this variant has been classified as Likely Pathogenic.

Literature cited by the submitters: PubMed 16199547; PubMed 7980584; PubMed 20352340.